The following is an entry in ClinVar:

ClinVar aggregate classification (germline): Uncertain significance (1 of 4 stars; one submission).

gnomAD v4.1: 3 of 1,600,058 alleles (0.00019%); highest among the groups gnomAD compares: African/African-American, 0.0027%; no homozygotes.

Submission:

Ambry Genetics
Classification: Uncertain significance. Last evaluated: 2025-03-18. Review status: criteria provided, single submitter. Criteria: Ambry Variant Classification Scheme 2023. Collection method: clinical testing. Allele origin: germline.
Comment: The p.R950Q variant (also known as c.2849G>A), located in coding exon 10 of the CDK12 gene, results from a G to A substitution at nucleotide position 2849. The arginine at codon 950 is replaced by glutamine, an amino acid with highly similar properties. This amino acid position is conserved. In addition, this alteration is predicted to be tolerated by in silico analysis. Based on the available evidence, the clinical significance of this variant remains unclear.

NM_016507.4(CDK12):c.2849G>A (p.Arg950Gln)

Gene: CDK12 (cyclin dependent kinase 12; plus strand). Cytogenetic location: 17q12.
Variant type: single nucleotide variant.
Coding change: c.2849G>A on transcript NM_016507.4 (MANE Select); coding-DNA position 2849, G replaced by A.
Protein change: p.Arg950Gln; replaces arginine 950 with glutamine.
Molecular consequence: missense variant.
Genome position (GRCh38, 1-based): chr17:39,517,442, G>A. VCF-style: chr17-39517442-G-A. GRCh37 (hg19) VCF-style: chr17-37673695-G-A.
Other names: c.2849G>A, p.Arg950Gln (NM_015083.4); short protein forms R950Q.
Identifiers: ClinVar variation 3999237 (VCV003999237.1).